The following is an entry in ClinVar:

ClinVar aggregate classification (germline): Uncertain significance (1 of 4 stars; one submission).

Conditions:
Mowat-Wilson syndrome (MOWS). Also called: Classic Mowat-Wilson Syndrome. Identifiers: Orphanet 2152, MedGen C1856113, MONDO:0009341, OMIM 235730.

Submission:

Baylor Genetics
Classification: Uncertain significance for Mowat-Wilson syndrome. Last evaluated: 2020-07-08. Review status: criteria provided, single submitter. Criteria: ACMG Guidelines, 2015. Collection method: clinical testing. Allele origin: unknown. Affected: yes.
Comment: This variant was determined to be of uncertain significance according to ACMG Guidelines, 2015 [PMID:25741868].

NM_014795.4(ZEB2):c.3467G>C (p.Gly1156Ala)

Gene: ZEB2 (zinc finger E-box binding homeobox 2; minus strand). Cytogenetic location: 2q22.3.
Variant type: single nucleotide variant.
Coding change: c.3467G>C on transcript NM_014795.4 (MANE Select); coding-DNA position 3467, G replaced by C.
Protein change: p.Gly1156Ala; replaces glycine 1156 with alanine.
Molecular consequence: missense variant.
Genome position (GRCh38, 1-based): chr2:144,389,629, C>G on the plus strand (G>C on the coding strand, the complement: ZEB2 is on the minus strand). VCF-style: chr2-144389629-C-G. GRCh37 (hg19) VCF-style: chr2-145147196-C-G.
Other names: c.3395G>C, p.Gly1132Ala (NM_001171653.2); short protein forms G1156A, G1132A.
Identifiers: ClinVar variation 1029312 (VCV001029312.1), dbSNP rs1703128016, ClinGen allele CA348699239.